The following is an entry in ClinVar:

ClinVar aggregate classification (germline): Pathogenic (1 of 4 stars; one submission).

Conditions:
Exostoses, multiple, type 2 (EXT2). Also called: Hereditary Multiple Osteochondromatosis, Type II; EXOSTOSES, MULTIPLE, TYPE II. Identifiers: Orphanet 321, MedGen C1851413, MONDO:0007586, OMIM 133701.

Submission:

Labcorp Genetics (formerly Invitae), Labcorp
Classification: Pathogenic for Exostoses, multiple, type 2. Last evaluated: 2022-10-27. Review status: criteria provided, single submitter. Criteria: Invitae Variant Classification Sherloc (09022015). Collection method: clinical testing. Allele origin: germline.
Comment: For these reasons, this variant has been classified as Pathogenic. This variant has not been reported in the literature in individuals affected with EXT2-related conditions. This variant is not present in population databases (gnomAD no frequency). This sequence change creates a premature translational stop signal (p.Asn495Thrfs*15) in the EXT2 gene. It is expected to result in an absent or disrupted protein product. Loss-of-function variants in EXT2 are known to be pathogenic (PMID: 10679937, 19810120).

Literature cited by the submitters: PubMed 10679937; PubMed 19810120.

NM_207122.2(EXT2):c.1484del (p.Asn495fs)

Genes: EXT2 (exostosin glycosyltransferase 2; plus strand), LOC126861201 (MED14-independent group 3 enhancer GRCh37_chr11:44218806-44220005; plus strand). Cytogenetic location: 11p11.2.
Variant type: Deletion.
Coding change: c.1484del on transcript NM_207122.2 (MANE Select); coding-DNA position 1484, one base deleted (A; older notation c.1484delA).
Protein change: p.Asn495fs; shifts the reading frame from asparagine 495.
Molecular consequence: frameshift variant.
Genome position (GRCh38, 1-based): chr11:44,198,007, A deleted; the last of 5 consecutive A bases (chr11:44,198,003-44,198,007); deleting any one gives the same sequence. VCF-style (leftmost placement, unchanged base first): chr11-44198002-TA-T. GRCh37 (hg19) VCF-style: chr11-44219552-TA-T.
Other names: c.1583del, p.Asn528fs (NM_000401.3); c.1514del, p.Asn505fs (NM_001178083.3); c.1484del, p.Asn495fs (NM_001389628.1, NM_001389630.1); short protein forms N495fs, N505fs, N528fs.
Identifiers: ClinVar variation 2809881 (VCV002809881.3), dbSNP rs2539717285, ClinGen allele CA2739270388.